The following is an entry in ClinVar:

ClinVar aggregate classification (germline): Pathogenic. Review status: reviewed by expert panel (3 of 4 stars). 5 submissions from 5 submitters: Pathogenic (1). 4 of the submissions do not count toward it. Last evaluated 2017-03-17.

Conditions:
Cystic fibrosis (CF). Also called: MUCOVISCIDOSIS. Identifiers: Orphanet 586, MedGen C0010674, MONDO:0009061, OMIM 219700. Disease mechanism: loss of function.

Submissions (5):

CFTR2
Classification: Pathogenic for Cystic fibrosis. Last evaluated: 2017-03-17. Review status: reviewed by expert panel. Criteria: Sosnay PR et al. (Nat Genet 2013). Collection method: research. Allele origin: germline. Affected: yes. Study: CFTR2.

Women's Health and Genetics/Laboratory Corporation of America, LabCorp
Classification: Pathogenic for Cystic fibrosis. Last evaluated: 2023-01-20. Review status: criteria provided, single submitter. Criteria: LabCorp Variant Classification Summary - May 2015. Collection method: clinical testing. Allele origin: germline. Not counted in ClinVar's aggregate classification.
Comment: Variant summary: CFTR c.2423_2424dupAT (p.Ser809IlefsX13) results in a premature termination codon, predicted to cause a truncation of the encoded protein or absence of the protein due to nonsense mediated decay, which are commonly known mechanisms for disease. Truncations downstream of this position have been classified as pathogenic by our laboratory. This variant is also reported as legacy name 2556insAT, and can be referred to as c.2424_2425dupAT, c.2421_2422dupAT, and c.2422_2423insAT. The variant was absent in 179966 control chromosomes (gnomAD). c.2423_2424dupAT has been reported in the literature and in CF patient databases in individuals affected with Cystic Fibrosis (e.g. White_1990, CFTR2 database). These data indicate that the variant is likely to be associated with disease. To our knowledge, no experimental evidence demonstrating an impact on protein function has been reported. Three submitters have provided clinical-significance assessments for this variant to ClinVar after 2014 and all classified the variant as pathogenic. Based on the evidence outlined above, the variant was classified as pathogenic.

Ambry Genetics
Classification: Pathogenic for Cystic fibrosis. Last evaluated: 2022-03-25. Review status: criteria provided, single submitter. Criteria: Ambry Variant Classification Scheme 2023. Collection method: clinical testing. Allele origin: germline. Not counted in ClinVar's aggregate classification.
Comment: The c.2423_2424dupAT pathogenic mutation (also known as CFTR ins2556insAT, c.2424_2425dupAT, c.2421_2422dupAT, and c.2422_2423insAT) is located in coding exon 14 of the CFTR gene and results from a duplication of AT at nucleotide position 2423, causing a translational frameshift with a predicted alternate stop codon (p.S809Ifs*13). This alteration was described in an individual with features of cystic fibrosis or a CFTR-related disorder (White MB et al. Nature, 1990 Apr;344:665-7). This variant is considered to be rare based on population cohorts in the Genome Aggregation Database (gnomAD). This alteration is expected to result in loss of function by premature protein truncation or nonsense-mediated mRNA decay. As such, this alteration is interpreted as a disease-causing mutation.

Labcorp Genetics (formerly Invitae), Labcorp
Classification: Pathogenic for Cystic fibrosis. Last evaluated: 2020-08-29. Review status: criteria provided, single submitter. Criteria: Invitae Variant Classification Sherloc (09022015). Collection method: clinical testing. Allele origin: germline. Not counted in ClinVar's aggregate classification.
Comment: This variant has been observed in individual(s) with clinical features of cystic fibrosis (CF) (PMID: 1691449). This variant is also known as CFIns2566 and 2556insAT. Loss-of-function variants in CFTR are known to be pathogenic (PMID: 1695717, 7691345, 9725922). For these reasons, this variant has been classified as Pathogenic. This variant is not present in population databases (ExAC no frequency). This sequence change creates a premature translational stop signal (p.Ser809Ilefs*13) in the CFTR gene. It is expected to result in an absent or disrupted protein product.

OMIM
Classification: Pathogenic for CYSTIC FIBROSIS. Last evaluated: 1990-04-12. Review status: no assertion criteria provided. Collection method: literature only. Allele origin: germline. Not counted in ClinVar's aggregate classification.

Literature cited by the submitters: PubMed 7521710 (cited by Women's Health and Genetics/Laboratory Corporation of America, LabCorp); PubMed 30996306 (cited by Women's Health and Genetics/Laboratory Corporation of America, LabCorp); PubMed 30888834 (cited by Women's Health and Genetics/Laboratory Corporation of America, LabCorp); PubMed 1691449 (cited by 4 submitters); PubMed 1695717 (cited by Labcorp Genetics (formerly Invitae), Labcorp); PubMed 7691345 (cited by Labcorp Genetics (formerly Invitae), Labcorp); PubMed 9725922 (cited by Labcorp Genetics (formerly Invitae), Labcorp).

NM_000492.4(CFTR):c.2423_2424dup (p.Ser809fs)

Gene: CFTR (CF transmembrane conductance regulator; plus strand). Cytogenetic location: 7q31.2.
Variant type: Microsatellite.
Coding change: c.2423_2424dup on transcript NM_000492.4 (MANE Select); coding-DNA positions 2423 to 2424, 2 bases duplicated (AT; older notation c.2423_2424dupAT).
Protein change: p.Ser809fs; shifts the reading frame from serine 809.
Molecular consequence: frameshift variant.
Genome position (GRCh38, 1-based): chr7:117,592,590-117,592,591, AT duplicated; duplicating any 2 consecutive bases within chr7:117,592,584-117,592,591 gives the same sequence; the c. name uses the placement nearest the transcript's 3' end. VCF-style (leftmost placement, unchanged base first): chr7-117592583-G-GAT. GRCh37 (hg19) VCF-style: chr7-117232637-G-GAT.
Other names: 2556insAT; c.2424_2425insAT (NM_000492.3); c.2423_2424dupAT (NM_000492.3); short protein forms S809fs.
Identifiers: ClinVar variation 209046 (VCV000209046.14), dbSNP rs387906359, ClinGen allele CA254109.